The following is an entry in ClinVar:

NM_000488.4(SERPINC1):c.277del (p.Thr93fs)

Gene: SERPINC1 (serpin family C member 1; minus strand). Cytogenetic location: 1q25.1.
Variant type: Deletion.
Coding change: c.277del on transcript NM_000488.4 (MANE Select); coding-DNA position 277, one base deleted (A; older notation c.277delA).
Protein change: p.Thr93fs; shifts the reading frame from threonine 93.
Molecular consequence: frameshift variant.
Genome position (GRCh38, 1-based): chr1:173,914,684, T deleted on the plus strand (A on the coding strand, the reverse complement: SERPINC1 is on the minus strand). VCF-style (leftmost placement, unchanged base first): chr1-173914683-GT-G. GRCh37 (hg19) VCF-style: chr1-173883821-GT-G.
Other names: p.Thr93Leufs*21; c.277delA, p.Thr93Leufs (NM_000488.3); c.133del, p.Thr45fs (NM_001365052.2); c.277del, p.Thr93fs (NM_001386302.1, NM_001386304.1, NM_001386305.1 and 1 more transcripts); c.358del, p.Thr120fs (NM_001386303.1); c.277del (NM_000488.3); short protein forms T120fs, T45fs, T93fs.
Identifiers: ClinVar variation 2633530 (VCV002633530.2), dbSNP rs2526594866, ClinGen allele CA2695199918.

ClinVar aggregate classification (germline): Pathogenic/Likely pathogenic. Review status: criteria provided, multiple submitters, no conflicts (2 of 4 stars). 2 submissions from 2 submitters: Pathogenic (1); Likely pathogenic (1). Last evaluated 2023-08-08.

Conditions:
SERPINC1-related disorder. Also called: SERPINC1-related condition.

Submissions (2):

Mayo Clinic Laboratories, Mayo Clinic
Classification: Likely pathogenic. Last evaluated: 2023-08-08. Review status: criteria provided, single submitter. Criteria: ACMG Guidelines, 2015. Collection method: clinical testing. Allele origin: germline. Observed: 1 variant allele.
Comment: PM2_moderate, PVS1

PreventionGenetics, part of Exact Sciences
Classification: Pathogenic for SERPINC1-related condition. Last evaluated: 2023-03-24. Review status: criteria provided, single submitter. Criteria: ACMG Guidelines, 2015. Collection method: clinical testing. Allele origin: germline.
Comment: The SERPINC1 c.277delA variant is predicted to result in a frameshift and premature protein termination (p.Thr93Leufs*21). To our knowledge, this variant has not been reported in the literature or in a large population database, indicating this variant is rare. Frameshift variants in SERPINC1 are expected to be pathogenic. This variant is interpreted as pathogenic.